The following is an entry in ClinVar:

NM_001793.6(CDH3):c.458C>T (p.Pro153Leu)

Gene: CDH3 (cadherin 3; plus strand). Cytogenetic location: 16q22.1.
Variant type: single nucleotide variant.
Coding change: c.458C>T on transcript NM_001793.6 (MANE Select); coding-DNA position 458, C replaced by T.
Protein change: p.Pro153Leu; replaces proline 153 with leucine.
Molecular consequence: missense variant.
Genome position (GRCh38, 1-based): chr16:68,678,568, C>T. VCF-style: chr16-68678568-C-T. GRCh37 (hg19) VCF-style: chr16-68712471-C-T.
Other names: c.458C>T, p.Pro153Leu (NM_001317195.3); c.293C>T, p.Pro98Leu (NM_001317196.2); short protein forms P98L, P153L.
Identifiers: ClinVar variation 2114187 (VCV002114187.4), dbSNP rs770438078, ClinGen allele CA283272203.

ClinVar aggregate classification (germline): Uncertain significance (1 of 4 stars; one submission).

Allele frequency attached by ClinVar (database versions not stated): gnomAD 0.00001; gnomAD exomes 0.00001; TOPMed 0.00001.
gnomAD v4.1: 5 of 1,614,100 alleles (0.00031%); highest among the groups gnomAD compares: Admixed American, 0.005%; no homozygotes.

Submission:

Labcorp Genetics (formerly Invitae), Labcorp
Classification: Uncertain significance. Last evaluated: 2024-11-05. Review status: criteria provided, single submitter. Criteria: Invitae Variant Classification Sherloc (09022015). Collection method: clinical testing. Allele origin: germline.
Comment: This sequence change replaces proline, which is neutral and non-polar, with leucine, which is neutral and non-polar, at codon 153 of the CDH3 protein (p.Pro153Leu). This variant is present in population databases (rs770438078, gnomAD 0.006%). This variant has not been reported in the literature in individuals affected with CDH3-related conditions. ClinVar contains an entry for this variant (Variation ID: 2114187). An algorithm developed to predict the effect of missense changes on protein structure and function (PolyPhen-2) suggests that this variant is likely to be disruptive. In summary, the available evidence is currently insufficient to determine the role of this variant in disease. Therefore, it has been classified as a Variant of Uncertain Significance.